The following is an entry in ClinVar:

NM_017570.5(OPLAH):c.2163G>T (p.Val721=)

Gene: OPLAH (5-oxoprolinase, ATP-hydrolysing; minus strand). Cytogenetic location: 8q24.3.
Variant type: single nucleotide variant.
Coding change: c.2163G>T on transcript NM_017570.5 (MANE Select); coding-DNA position 2163, G replaced by T.
Protein change: p.Val721=; no amino-acid change (valine 721 retained).
Molecular consequence: synonymous variant.
Genome position (GRCh38, 1-based): chr8:144,055,873, C>A on the plus strand (G>T on the coding strand, the complement: OPLAH is on the minus strand). VCF-style: chr8-144055873-C-A. GRCh37 (hg19) VCF-style: chr8-145110776-C-A.
Other names: c.2163G>T (NM_017570.4).
Identifiers: ClinVar variation 1170891 (VCV001170891.9), dbSNP rs369464657, ClinGen allele CA4931556.

ClinVar aggregate classification (germline): Benign. Review status: criteria provided, multiple submitters, no conflicts (2 of 4 stars). 3 submissions from 3 submitters: Benign (3). Last evaluated 2025-12-22.

Conditions:
5-Oxoprolinase deficiency (OPLAHD). Also called: 5-OXOPROLINURIA DUE TO 5-OXOPROLINASE DEFICIENCY. Identifiers: Orphanet 33572, MedGen C0268525, MONDO:0009825, OMIM 260005, HP:0040142.
OPLAH-related disorder. Also called: OPLAH-related condition.

Allele frequency attached by ClinVar (database versions not stated): gnomAD exomes 0.00019 and 0.00060; ESP Exome Variant Server 0.00164; ExAC 0.00167; gnomAD 0.00277 and 0.00294; TOPMed 0.00277; 1000 Genomes Project 0.00300; 1000 Genomes Project 30x 0.00312.
gnomAD v4.1: 702 of 1,582,824 alleles (0.044%); highest among the groups gnomAD compares: African/African-American, 0.86%; 2 homozygotes.

Submissions (3):

Labcorp Genetics (formerly Invitae), Labcorp
Classification: Benign for 5-Oxoprolinase deficiency. Last evaluated: 2025-12-22. Review status: criteria provided, single submitter. Criteria: Invitae Variant Classification Sherloc (09022015). Collection method: clinical testing. Allele origin: germline.

PreventionGenetics, part of Exact Sciences
Classification: Benign for OPLAH-related condition. Last evaluated: 2025-12-03. Review status: criteria provided, single submitter. Criteria: ACMG Guidelines, 2015. Collection method: clinical testing. Allele origin: germline.
Comment: This variant is classified as benign based on ACMG/AMP sequence variant interpretation guidelines (Richards et al. 2015 PMID: 25741868, with internal and published modifications).

Breakthrough Genomics
Classification: Benign. Review status: criteria provided, single submitter. Criteria: ACMG Guidelines, 2015. Collection method: not provided. Allele origin: germline. Inheritance: Autosomal recessive inheritance. Affected: yes.